The following is an entry in ClinVar:

ClinVar aggregate classification (germline): Uncertain significance. Review status: criteria provided, multiple submitters, no conflicts (2 of 4 stars). 2 submissions from 2 submitters: Uncertain significance (2). Last evaluated 2025-09-10.

Conditions:
Renal cell carcinoma. Identifiers: Orphanet 217071, MedGen C0007134, MeSH D002292, MONDO:0005086, HP:0005584.
Hereditary cancer-predisposing syndrome. Also called: Neoplastic Syndromes, Hereditary; Hereditary neoplastic syndrome; Tumor predisposition; Hereditary Cancer Syndrome. Identifiers: Orphanet 140162, MedGen C0027672, MeSH D009386, MONDO:0015356.

Allele frequency attached by ClinVar (database versions not stated): gnomAD exomes below 0.00001 and 0.00001.
gnomAD v4.1: 9 of 1,614,000 alleles (0.00056%); highest among the groups gnomAD compares: Non-Finnish European, 0.00076%; no homozygotes.

Submissions (2):

Labcorp Genetics (formerly Invitae), Labcorp
Classification: Uncertain significance for Renal cell carcinoma. Last evaluated: 2025-09-10. Review status: criteria provided, single submitter. Criteria: Invitae Variant Classification Sherloc (09022015). Collection method: clinical testing. Allele origin: germline.
Comment: This sequence change replaces leucine, which is neutral and non-polar, with proline, which is neutral and non-polar, at codon 43 of the MET protein (p.Leu43Pro). This variant is present in population databases (no rsID available, gnomAD 0.0009%). This variant has not been reported in the literature in individuals affected with MET-related conditions. ClinVar contains an entry for this variant (Variation ID: 524867). Invitae Evidence Modeling of protein sequence and biophysical properties (such as structural, functional, and spatial information, amino acid conservation, physicochemical variation, residue mobility, and thermodynamic stability) indicates that this missense variant is not expected to disrupt MET protein function with a negative predictive value of 80%. In summary, the available evidence is currently insufficient to determine the role of this variant in disease. Therefore, it has been classified as a Variant of Uncertain Significance.

Ambry Genetics
Classification: Uncertain significance for Hereditary cancer-predisposing syndrome. Last evaluated: 2023-12-12. Review status: criteria provided, single submitter. Criteria: Ambry Variant Classification Scheme 2023. Collection method: clinical testing. Allele origin: germline.
Comment: The p.L43P variant (also known as c.128T>C), located in coding exon 1 of the MET gene, results from a T to C substitution at nucleotide position 128. The leucine at codon 43 is replaced by proline, an amino acid with similar properties. This amino acid position is highly conserved in available vertebrate species. In addition, the in silico prediction for this alteration is inconclusive. Since supporting evidence is limited at this time, the clinical significance of this alteration remains unclear.

NM_000245.4(MET):c.128T>C (p.Leu43Pro)

Gene: MET (MET proto-oncogene, receptor tyrosine kinase; plus strand). Cytogenetic location: 7q31.2.
Variant type: single nucleotide variant.
Coding change: c.128T>C on transcript NM_000245.4 (MANE Select); coding-DNA position 128, T replaced by C.
Protein change: p.Leu43Pro; replaces leucine 43 with proline.
Molecular consequence: missense variant. On other transcripts: intron variant (1).
Genome position (GRCh38, 1-based): chr7:116,699,212, T>C. VCF-style: chr7-116699212-T-C. GRCh37 (hg19) VCF-style: chr7-116339266-T-C.
Other names: c.128T>C, p.Leu43Pro (NM_001127500.3, NM_001324401.3); c.-91+26635T>C (NM_001324402.2); short protein forms L43P.
Identifiers: ClinVar variation 524867 (VCV000524867.13), dbSNP rs1487106127, ClinGen allele CA368968406.